The following is an entry in ClinVar:

ClinVar aggregate classification (germline): Benign/Likely benign. Review status: criteria provided, multiple submitters, no conflicts (2 of 4 stars). 12 submissions from 12 submitters: Benign (2); Likely benign (9). 1 of the submissions does not count toward it. Last evaluated 2026-01-24.

Conditions:
Breast-ovarian cancer, familial, susceptibility to, 3. Also called: RAD51C-Related Breast/Ovarian Cancer. Identifiers: Orphanet 145, MedGen C3150659, MONDO:0013253, OMIM 613399.
Fanconi anemia complementation group O. Also called: RAD51C-Related Fanconi Anemia. Identifiers: Orphanet 84, MedGen C3150653, MONDO:0013248, OMIM 613390.
Hereditary cancer-predisposing syndrome. Also called: Tumor predisposition; Neoplastic Syndromes, Hereditary; Hereditary neoplastic syndrome; Hereditary Cancer Syndrome. Identifiers: Orphanet 140162, MedGen C0027672, MeSH D009386, MONDO:0015356.
Malignant tumor of breast. Also called: Malignant breast neoplasm; Cancer breast. Identifiers: MedGen C0006142, MONDO:0007254. Disease mechanism: loss of function.

Allele frequency attached by ClinVar (database versions not stated): gnomAD exomes 0.00001 and 0.00013; gnomAD 0.00004 and 0.00005; TOPMed 0.00006; ExAC 0.00015; 1000 Genomes Project 30x 0.00016; 1000 Genomes Project 0.00020.
gnomAD v4.1: 29 of 1,613,730 alleles (0.0018%); highest among the groups gnomAD compares: East Asian, 0.06%; no homozygotes.

Submissions (12):

Labcorp Genetics (formerly Invitae), Labcorp
Classification: Likely benign for Fanconi anemia complementation group O. Last evaluated: 2026-01-24. Review status: criteria provided, single submitter. Criteria: Invitae Variant Classification Sherloc (09022015). Collection method: clinical testing. Allele origin: germline.

Center for Genomic Medicine, Rigshospitalet, Copenhagen University Hospital
Classification: Likely benign. Last evaluated: 2025-03-04. Review status: criteria provided, single submitter. Criteria: ACMG Guidelines, 2015. Collection method: clinical testing. Allele origin: germline.

Myriad Genetics, Inc.
Classification: Benign for Breast-ovarian cancer, familial, susceptibility to, 3. Last evaluated: 2025-02-19. Review status: criteria provided, single submitter. Criteria: Myriad Autosomal Dominant, Autosomal Recessive and X-Linked Classification Criteria (2023). Collection method: clinical testing. Allele origin: unknown.
Comment: This variant is considered benign. This variant is a silent/synonymous amino acid change and it is not expected to impact splicing.

Blueprint Genetics
Classification: Likely benign. Last evaluated: 2023-08-28. Review status: criteria provided, single submitter. Criteria: ACMG Guidelines, 2015. Collection method: clinical testing. Allele origin: germline.

Sema4
Classification: Likely benign for Hereditary cancer-predisposing syndrome. Last evaluated: 2022-02-08. Review status: criteria provided, single submitter. Criteria: Sema4 Curation Guidelines. Collection method: curation. Allele origin: germline.

Fulgent Genetics
Classification: Likely benign for Fanconi anemia complementation group O; Breast-ovarian cancer, familial, susceptibility to, 3. Last evaluated: 2021-11-04. Review status: criteria provided, single submitter. Criteria: ACMG Guidelines, 2015. Collection method: clinical testing. Allele origin: unknown.

Women's Health and Genetics/Laboratory Corporation of America, LabCorp
Classification: Benign. Last evaluated: 2021-01-29. Review status: criteria provided, single submitter. Criteria: LabCorp Variant Classification Summary - May 2015. Collection method: clinical testing. Allele origin: germline.

GeneDx
Classification: Likely benign. Last evaluated: 2019-03-13. Review status: criteria provided, single submitter. Criteria: GeneDx Variant Classification Process June 2021. Collection method: clinical testing. Allele origin: germline. Affected: yes.
Comment: This variant is associated with the following publications: (PMID: 21980511)

PreventionGenetics, part of Exact Sciences
Classification: Likely benign. Last evaluated: 2018-01-08. Review status: criteria provided, single submitter. Criteria: ACMG Guidelines, 2015. Collection method: clinical testing. Allele origin: germline.

Color Diagnostics, LLC DBA Color Health
Classification: Likely benign for Hereditary cancer-predisposing syndrome. Last evaluated: 2016-02-25. Review status: criteria provided, single submitter. Criteria: ACMG Guidelines, 2015. Collection method: clinical testing. Allele origin: germline.

Ambry Genetics
Classification: Likely benign for Hereditary cancer-predisposing syndrome. Last evaluated: 2014-07-29. Review status: criteria provided, single submitter. Criteria: Ambry Variant Classification Scheme 2023. Collection method: clinical testing. Allele origin: germline.

Department of Pathology and Laboratory Medicine, Sinai Health System
Classification: Likely benign for Malignant tumor of breast. Review status: no assertion criteria provided. Collection method: clinical testing. Allele origin: unknown. Affected: yes. Study: The Canadian Open Genetics Repository (COGR). Not counted in ClinVar's aggregate classification.
Comment: The RAD51C p.Ala354= variant was identified in 1 of 572 proband chromosomes (frequency: 0.002) from individuals with breast or ovarian cancer (Clague 2011). The variant was identified in dbSNP (rs201000407) as â€šÃ„Ãºwith likely benign alleleâ€šÃ„Ã¹ and ClinVar (classified as likely benign by Invitae, Color, Ambry Genetics, GeneDx and Prevention Genetics). The variant was not identified in LOVD 3.0. The variant was identified in control databases in 37 of 282,050 chromosomes at a frequency of 0.0001 (Genome Aggregation Database Feb 27, 2017). The variant was observed in the East Asian population in 37 of 19,952 chromosomes (freq: 0.002), while it was not observed in the African, Latino, Ashkenazi Jewish, Finnish, European, Other or South Asian populations. The p.Ala354= variant is not expected to have clinical significance because it does not result in a change of amino acid and is not located in a known consensus splice site. The variant occurs at a non-highly conserved nucleotide outside of the splicing consensus sequence and in silico or computational prediction software programs (SpliceSiteFinder, MaxEntScan, NNSPLICE, GeneSplicer) do not predict a difference in splicing. In summary, based on the above information, the clinical significance of this variant cannot be determined with certainty at this time although we would lean towards a more benign role for this variant. This variant is classified as likely benign.

NM_058216.3(RAD51C):c.1062A>G (p.Ala354=)

Gene: RAD51C (RAD51 paralog C; plus strand). Cytogenetic location: 17q22.
Variant type: single nucleotide variant.
Coding change: c.1062A>G on transcript NM_058216.3 (MANE Select); coding-DNA position 1062, A replaced by G.
Protein change: p.Ala354=; no amino-acid change (alanine 354 retained).
Molecular consequence: synonymous variant. On other transcripts: non-coding transcript variant (1).
Genome position (GRCh38, 1-based): chr17:58,734,153, A>G. VCF-style: chr17-58734153-A-G. GRCh37 (hg19) VCF-style: chr17-56811514-A-G.
Identifiers: ClinVar variation 185621 (VCV000185621.28), dbSNP rs201000407, ClinGen allele CA192438.